The following is an entry in ClinVar:

NM_182961.4(SYNE1):c.627C>T (p.Ser209=)

Gene: SYNE1 (spectrin repeat containing nuclear envelope protein 1; minus strand). Cytogenetic location: 6q25.2.
Variant type: single nucleotide variant.
Coding change: c.627C>T on transcript NM_182961.4 (MANE Select); coding-DNA position 627, C replaced by T.
Protein change: p.Ser209=; no amino-acid change (serine 209 retained).
Molecular consequence: synonymous variant.
Genome position (GRCh38, 1-based): chr6:152,505,352, G>A on the plus strand (C>T on the coding strand, the complement: SYNE1 is on the minus strand). VCF-style: chr6-152505352-G-A. GRCh37 (hg19) VCF-style: chr6-152826487-G-A.
Other names: c.648C>T, p.Ser216= (NM_033071.5).
Identifiers: ClinVar variation 2657038 (VCV002657038.24), dbSNP rs778130790, ClinGen allele CA4059667.

ClinVar aggregate classification (germline): Likely benign (1 of 4 stars; one submission).

Allele frequency attached by ClinVar (database versions not stated): gnomAD 0.00001; TOPMed 0.00001; ExAC 0.00004.
gnomAD v4.1: 19 of 1,613,864 alleles (0.0012%); highest among the groups gnomAD compares: South Asian, 0.0099%; 1 homozygote.

Submission:

CeGaT Center for Human Genetics Tuebingen
Classification: Likely benign. Last evaluated: 2023-10-01. Review status: criteria provided, single submitter. Criteria: CeGaT Center For Human Genetics Tuebingen Variant Classification Criteria Version 2. Collection method: clinical testing. Allele origin: germline. Affected: yes. Observed: 1 variant allele.
Comment: SYNE1: BP4, BP7